The following is an entry in ClinVar:

NM_005633.4(SOS1):c.3620C>G (p.Pro1207Arg)

Gene: SOS1 (SOS Ras/Rac guanine nucleotide exchange factor 1; minus strand). Cytogenetic location: 2p22.1.
Variant type: single nucleotide variant.
Coding change: c.3620C>G on transcript NM_005633.4 (MANE Select); coding-DNA position 3620, C replaced by G.
Protein change: p.Pro1207Arg; replaces proline 1207 with arginine.
Molecular consequence: missense variant.
Genome position (GRCh38, 1-based): chr2:38,986,206, G>C on the plus strand (C>G on the coding strand, the complement: SOS1 is on the minus strand). VCF-style: chr2-38986206-G-C. GRCh37 (hg19) VCF-style: chr2-39213347-G-C.
Other names: p.P1207R:CCT>CGT; c.3599C>G, p.Pro1200Arg (NM_001382394.1); c.3575C>G, p.Pro1192Arg (NM_001382395.1); short protein forms P1207R, P1192R, P1200R.
Identifiers: ClinVar variation 181533 (VCV000181533.1), dbSNP rs730881025, ClinGen allele CA297193.

ClinVar aggregate classification (germline): Likely benign (1 of 4 stars; one submission).

gnomAD v4.1: 1 of 1,614,000 alleles (0.000062%); highest among the groups gnomAD compares: Non-Finnish European, 0.000085%; no homozygotes.

Submission:

GeneDx
Classification: Likely benign. Last evaluated: 2013-04-15. Review status: criteria provided, single submitter. Criteria: GeneDx Variant Classification (06012015). Collection method: clinical testing. Allele origin: germline. Affected: yes.
Comment: This variant is considered likely benign or benign based on one or more of the following criteria: it is a conservative change, it occurs at a poorly conserved position in the protein, it is predicted to be benign by multiple in silico algorithms, and/or has population frequency not consistent with disease.